The following is an entry in ClinVar:

ClinVar aggregate classification (germline): Conflicting classifications of pathogenicity. Review status: criteria provided, conflicting classifications (1 of 4 stars). 4 submissions from 4 submitters: Uncertain significance (3); Likely benign (1). Last evaluated 2025-11-06.

Conditions:
Adams-Oliver syndrome 5 (AOS5). Identifiers: Orphanet 974, MedGen C4014970, MONDO:0014459, OMIM 616028.
Aortic valve disorder (AOVD1). Also called: AORTIC VALVE DISEASE. Identifiers: MedGen C1260873, MONDO:0003803.
NOTCH1-related disorder. Also called: NOTCH1-related disorders; NOTCH1-related condition.
Familial thoracic aortic aneurysm and aortic dissection (TAAD). Also called: Thoracic aortic aneurysms and dissections. Identifiers: Orphanet 91387, MedGen C4707243, MONDO:0019625.

Allele frequency attached by ClinVar (database versions not stated): gnomAD exomes below 0.00001 and 0.00001; gnomAD 0.00001; TOPMed 0.00003.
gnomAD v4.1: 18 of 1,612,034 alleles (0.0011%); highest among the groups gnomAD compares: Middle Eastern, 0.066%; no homozygotes.

Submissions (4):

Labcorp Genetics (formerly Invitae), Labcorp
Classification: Likely benign for Adams-Oliver syndrome 5. Last evaluated: 2025-11-06. Review status: criteria provided, single submitter. Criteria: Invitae Variant Classification Sherloc (09022015). Collection method: clinical testing. Allele origin: germline.

PreventionGenetics, part of Exact Sciences
Classification: Uncertain significance for NOTCH1-related condition. Last evaluated: 2025-01-29. Review status: criteria provided, single submitter. Criteria: ACMG Guidelines, 2015. Collection method: clinical testing. Allele origin: germline.
Comment: The NOTCH1 c.4271T>C variant is predicted to result in the amino acid substitution p.Leu1424Ser. To our knowledge, this variant has not been reported in the literature. This variant is reported in 0.0016% of alleles in individuals of European (Non-Finnish) descent in gnomAD. At this time, the clinical significance of this variant is uncertain due to the absence of conclusive functional and genetic evidence.

GeneDx
Classification: Uncertain significance. Last evaluated: 2024-04-01. Review status: criteria provided, single submitter. Criteria: GeneDx Variant Classification Process June 2021. Collection method: clinical testing. Allele origin: germline. Affected: yes.
Comment: Not observed at significant frequency in large population cohorts (gnomAD); In silico analysis supports that this missense variant does not alter protein structure/function; Has not been previously published as pathogenic or benign to our knowledge

Ambry Genetics
Classification: Uncertain significance for Familial thoracic aortic aneurysm and aortic dissection. Last evaluated: 2024-03-05. Review status: criteria provided, single submitter. Criteria: Ambry Variant Classification Scheme 2023. Collection method: clinical testing. Allele origin: germline.
Comment: The p.L1424S variant (also known as c.4271T>C), located in coding exon 25 of the NOTCH1 gene, results from a T to C substitution at nucleotide position 4271. The leucine at codon 1424 is replaced by serine, an amino acid with dissimilar properties. This amino acid position is not well conserved in available vertebrate species. In addition, this alteration is predicted to be tolerated by in silico analysis. Based on the available evidence, the clinical significance of this alteration remains unclear.

NM_017617.5(NOTCH1):c.4271T>C (p.Leu1424Ser)

Gene: NOTCH1 (notch receptor 1; minus strand). Cytogenetic location: 9q34.3.
Variant type: single nucleotide variant.
Coding change: c.4271T>C on transcript NM_017617.5 (MANE Select); coding-DNA position 4271, T replaced by C.
Protein change: p.Leu1424Ser; replaces leucine 1424 with serine.
Molecular consequence: missense variant.
Genome position (GRCh38, 1-based): chr9:136,505,625, A>G on the plus strand (T>C on the coding strand, the complement: NOTCH1 is on the minus strand). VCF-style: chr9-136505625-A-G. GRCh37 (hg19) VCF-style: chr9-139400077-A-G.
Other names: c.4271T>C (NM_017617.4); c.4271T>C, p.Leu1424Ser (LRG_1122t1); short protein forms L1424S.
Identifiers: ClinVar variation 544188 (VCV000544188.13), dbSNP rs954507677, ClinGen allele CA201644971.